The following is an entry in ClinVar:

ClinVar aggregate classification (germline): Uncertain significance. Review status: criteria provided, multiple submitters, no conflicts (2 of 4 stars). 3 submissions from 3 submitters: Uncertain significance (3). Last evaluated 2026-02-23.

Conditions:
Inborn genetic diseases. Identifiers: MedGen C0950123, MeSH D030342.

gnomAD v4.1: 2 of 1,211,441 alleles (0.00017%); highest among the groups gnomAD compares: Admixed American, 0.0022%; no homozygotes.

Submissions (3):

Ambry Genetics
Classification: Uncertain significance for Inborn genetic diseases. Last evaluated: 2026-02-23. Review status: criteria provided, single submitter. Criteria: Ambry Variant Classification Scheme 2023. Collection method: clinical testing. Allele origin: germline.
Comment: The c.2503G>A (p.A835T) alteration is located in exon 22 (coding exon 22) of the BRWD3 gene. This alteration results from a G to A substitution at nucleotide position 2503, causing the alanine (A) at amino acid position 835 to be replaced by a threonine (T). Based on data from gnomAD, the A allele has an overall frequency of <0.001% (1/182832) total alleles studied. The highest observed frequency was 0.004% (1/27353) of Latino alleles. Based on insufficient or conflicting evidence, the clinical significance of this alteration remains unclear.

Labcorp Genetics (formerly Invitae), Labcorp
Classification: Uncertain significance. Last evaluated: 2025-12-13. Review status: criteria provided, single submitter. Criteria: Invitae Variant Classification Sherloc (09022015). Collection method: clinical testing. Allele origin: germline.
Comment: This sequence change replaces alanine, which is neutral and non-polar, with threonine, which is neutral and polar, at codon 835 of the BRWD3 protein (p.Ala835Thr). This variant is present in population databases (rs756197543, gnomAD 0.004%). This variant has not been reported in the literature in individuals affected with BRWD3-related conditions. Invitae Evidence Modeling of protein sequence and biophysical properties (such as structural, functional, and spatial information, amino acid conservation, physicochemical variation, residue mobility, and thermodynamic stability) indicates that this missense variant is not expected to disrupt BRWD3 protein function with a negative predictive value of 95%. In summary, the available evidence is currently insufficient to determine the role of this variant in disease. Therefore, it has been classified as a Variant of Uncertain Significance.

Blueprint Genetics
Classification: Uncertain significance. Last evaluated: 2023-08-07. Review status: criteria provided, single submitter. Criteria: ACMG Guidelines, 2015. Collection method: clinical testing. Allele origin: germline.

NM_153252.5(BRWD3):c.2503G>A (p.Ala835Thr)

Gene: BRWD3 (bromodomain and WD repeat domain containing 3; minus strand). Cytogenetic location: Xq21.1.
Variant type: single nucleotide variant.
Coding change: c.2503G>A on transcript NM_153252.5 (MANE Select); coding-DNA position 2503, G replaced by A.
Protein change: p.Ala835Thr; replaces alanine 835 with threonine.
Molecular consequence: missense variant.
Genome position (GRCh38, 1-based): chrX:80,707,476, C>T on the plus strand (G>A on the coding strand, the complement: BRWD3 is on the minus strand). VCF-style: chrX-80707476-C-T. GRCh37 (hg19) VCF-style: chrX-79962975-C-T.
Other names: c.2503G>A (NM_153252.4); c.2353G>A, p.Ala785Thr (NM_001441339.1); short protein forms A785T, A835T.
Identifiers: ClinVar variation 4694714 (VCV004694714.3).
Genomic context (GRCh38, chrX:80,707,476, plus strand): 5'-ATTAAAACTACCTGGAAGAACTTTCACTTTGCCATTCAACAACAGGATCCTCTACCGAAG[C>T]GTCACTTGTGCCAACAGTTTCATCTTCCTACAACAAAGAGCCAGCAATTAAGATATATGG-3'
Protein context (NP_694984.5, residues 825-845): EEDETVGTSD[Ala835Thr]SVEDPVVEWQ